The following is an entry in ClinVar:

ClinVar aggregate classification (germline): Conflicting classifications of pathogenicity. Review status: criteria provided, conflicting classifications (1 of 4 stars). 2 submissions from 2 submitters: Uncertain significance (1); Likely benign (1). Last evaluated 2025-05-01.

Conditions:
Clark-Baraitser syndrome. Also called: MENTAL RETARDATION, AUTOSOMAL DOMINANT 49; Intellectual disability, autosomal dominant 49; BARAITSER SYNDROME; Mental retardation, tall stature, obesity, macrocephaly and typical facial features. Identifiers: Orphanet 600731, MedGen C2931130, MONDO:0030914, OMIM 617752.

Allele frequency attached by ClinVar (database versions not stated): gnomAD exomes below 0.00001 and 0.00001; ExAC 0.00001; TOPMed 0.00006.
gnomAD v4.1: 27 of 1,613,230 alleles (0.0017%); highest among the groups gnomAD compares: Non-Finnish European, 0.0023%; no homozygotes.

Submissions (2):

CeGaT Center for Human Genetics Tuebingen
Classification: Likely benign. Last evaluated: 2025-05-01. Review status: criteria provided, single submitter. Criteria: CeGaT Center For Human Genetics Tuebingen Variant Classification Criteria Version 2. Collection method: clinical testing. Allele origin: germline. Affected: yes. Observed: 1 variant allele.
Comment: TRIP12: BP4

Baylor Genetics
Classification: Uncertain significance for Clark-Baraitser syndrome. Last evaluated: 2018-03-23. Review status: criteria provided, single submitter. Criteria: ACMG Guidelines, 2015. Collection method: clinical testing. Allele origin: maternal. Affected: yes.
Comment: This variant was determined to be of uncertain significance according to ACMG Guidelines, 2015 [PMID:25741868].

NM_001348323.3(TRIP12):c.3835A>G (p.Ile1279Val)

Gene: TRIP12 (thyroid hormone receptor interactor 12; minus strand). Cytogenetic location: 2q36.3.
Variant type: single nucleotide variant.
Coding change: c.3835A>G on transcript NM_001348323.3 (MANE Select); coding-DNA position 3835, A replaced by G.
Protein change: p.Ile1279Val; replaces isoleucine 1279 with valine.
Molecular consequence: missense variant.
Genome position (GRCh38, 1-based): chr2:229,795,312, T>C on the plus strand (A>G on the coding strand, the complement: TRIP12 is on the minus strand). VCF-style: chr2-229795312-T-C. GRCh37 (hg19) VCF-style: chr2-230660028-T-C.
Other names: c.3754A>G, p.Ile1252Val (NM_001284214.2, NM_001348315.2); c.3709A>G, p.Ile1237Val (NM_001284215.2, NM_001348316.2, NM_001348317.1 and 1 more transcripts); c.2800A>G, p.Ile934Val (NM_001284216.2); c.3835A>G, p.Ile1279Val (NM_001348319.1, NM_001348320.2, NM_001348322.1 and 4 more transcripts); c.3838A>G, p.Ile1280Val (NM_001348321.1, NM_001348328.1, NM_001348329.2 and 1 more transcripts); c.3628A>G, p.Ile1210Val (NM_001348331.1); c.3748A>G, p.Ile1250Val (NM_001348332.1); c.3757A>G, p.Ile1253Val (NM_001348333.1); and 1 more; short protein forms I1204V, I1210V, I934V, I1280V, I1237V, I1250V, I1252V, I1253V.
Identifiers: ClinVar variation 1031393 (VCV001031393.11), dbSNP rs764732335, ClinGen allele CA2152661.